The following is an entry in ClinVar:

NM_000038.6(APC):c.1160_1164del (p.Leu387fs)

Gene: APC (APC regulator of Wnt signaling pathway; plus strand). Cytogenetic location: 5q22.2.
Variant type: Deletion.
Coding change: c.1160_1164del on transcript NM_000038.6 (MANE Select); coding-DNA positions 1160 to 1164, 5 bases deleted (TCCAC; older notation c.1160_1164delTCCAC).
Protein change: p.Leu387fs; shifts the reading frame from leucine 387.
Molecular consequence: frameshift variant. On other transcripts: non-coding transcript variant (2), intron variant (15).
Genome position (GRCh38, 1-based): chr5:112,819,192-112,819,196, TCCAC deleted; deleting any 5 consecutive bases within chr5:112,819,189-112,819,196 gives the same sequence; the c. name uses the placement nearest the transcript's 3' end. VCF-style (leftmost placement, unchanged base first): chr5-112819188-GCACTC-G. GRCh37 (hg19) VCF-style: chr5-112154885-GCACTC-G.
Other names: c.1160_1164del, p.Leu387fs (NM_001127510.3, NM_001354895.2, NM_001354896.2 and 4 more transcripts); c.1106_1110del, p.Leu369fs (NM_001127511.3); c.1190_1194del, p.Leu397fs (NM_001354897.2, NM_001407446.1); c.1085_1089del, p.Leu362fs (NM_001354898.2, NM_001407451.1); c.1076_1080del, p.Leu359fs (NM_001354899.2, NM_001407452.1); c.983_987del, p.Leu328fs (NM_001354900.2, NM_001354901.2, NM_001407453.1); c.311_315del, p.Leu104fs (NM_001354906.2, NM_001407470.1); c.85-77_85-73del (NM_001407472.1, NM_001407471.1); and 5 more; short protein forms L104fs, L328fs, L359fs, L362fs, L369fs, L387fs, L397fs.
Identifiers: ClinVar variation 2583361 (VCV002583361.1), dbSNP rs2533049192, ClinGen allele CA2582341391.

ClinVar aggregate classification (germline): Pathogenic (1 of 4 stars; one submission).

Conditions:
Familial adenomatous polyposis 1 (FAP1). Also called: POLYPOSIS, ADENOMATOUS INTESTINAL; FAMILIAL ADENOMATOUS POLYPOSIS 1, ATTENUATED. Identifiers: MedGen C2713442, MONDO:0021056, OMIM 175100. Disease mechanism: loss of function.

Submission:

Myriad Genetics, Inc.
Classification: Pathogenic for Familial adenomatous polyposis 1. Last evaluated: 2023-04-28. Review status: criteria provided, single submitter. Criteria: Myriad Autosomal Dominant, Autosomal Recessive and X-Linked Classification Criteria (2023). Collection method: clinical testing. Allele origin: unknown.
Comment: This variant is considered pathogenic. This variant creates a frameshift predicted to result in premature protein truncation.